The following is an entry in ClinVar:

NM_000135.4(FANCA):c.4340A>T (p.Asp1447Val)

Genes: FANCA (FA complementation group A; minus strand), ZNF276 (zinc finger protein 276; plus strand). Cytogenetic location: 16q24.3.
Variant type: single nucleotide variant.
Coding change: c.4340A>T on transcript NM_000135.4 (MANE Select); coding-DNA position 4340, A replaced by T.
Protein change: p.Asp1447Val; replaces aspartic acid 1447 with valine.
Molecular consequence: missense variant. On other transcripts: 3 prime UTR variant (3), non-coding transcript variant (4).
Genome position (GRCh38, 1-based): chr16:89,738,629, T>A on the plus strand (A>T on the coding strand, the complement: FANCA is on the minus strand). VCF-style: chr16-89738629-T-A. GRCh37 (hg19) VCF-style: chr16-89805037-T-A.
Other names: c.*69A>T (NM_001286167.3); c.*383T>A (NM_001113525.2, NM_152287.4); short protein forms D1447V.
Identifiers: ClinVar variation 4824577 (VCV004824577.1).

ClinVar aggregate classification (germline): Uncertain significance (1 of 4 stars; one submission).

Conditions:
Inborn genetic diseases. Identifiers: MedGen C0950123, MeSH D030342.

Submission:

Ambry Genetics
Classification: Uncertain significance for Inborn genetic diseases. Last evaluated: 2026-01-17. Review status: criteria provided, single submitter. Criteria: Ambry Variant Classification Scheme 2023. Collection method: clinical testing. Allele origin: germline.
Comment: The p.D1447V variant (also known as c.4340A>T), located in coding exon 43 of the FANCA gene, results from an A to T substitution at nucleotide position 4340. The aspartic acid at codon 1447 is replaced by valine, an amino acid with highly dissimilar properties. This amino acid position is conserved. In addition, the in silico prediction for this alteration is inconclusive. Based on the available evidence, the clinical significance of this variant remains unclear.